The following is an entry in ClinVar:

ClinVar aggregate classification (germline): Uncertain significance. Review status: criteria provided, multiple submitters, no conflicts (2 of 4 stars). 2 submissions from 2 submitters: Uncertain significance (2). Last evaluated 2026-01-08.

Conditions:
Clark-Baraitser syndrome. Also called: Intellectual disability, autosomal dominant 49; BARAITSER SYNDROME; Mental retardation, tall stature, obesity, macrocephaly and typical facial features; MENTAL RETARDATION, AUTOSOMAL DOMINANT 49. Identifiers: Orphanet 600731, MedGen C2931130, MONDO:0030914, OMIM 617752.

Allele frequency attached by ClinVar (database versions not stated): gnomAD exomes below 0.00001.
gnomAD v4.1: 1 of 1,614,158 alleles (0.000062%); highest among the groups gnomAD compares: Non-Finnish European, 0.000085%; no homozygotes.

Submissions (2):

Women's Health and Genetics/Laboratory Corporation of America, LabCorp
Classification: Uncertain significance. Last evaluated: 2026-01-08. Review status: criteria provided, single submitter. Criteria: LabCorp Variant Classification Summary - May 2015. Collection method: clinical testing. Allele origin: germline.
Comment: Variant summary: TRIP12 c.2396A>G (p.Lys799Arg) results in a conservative amino acid change in the encoded protein sequence. Algorithms developed to predict the effect of missense changes on protein structure and function are either unavailable or do not agree on the potential impact of this missense change. The variant was absent in 251362 control chromosomes. The available data on variant occurrences in the general population are insufficient to allow any conclusion about variant significance. To our knowledge, no occurrence of c.2396A>G in individuals affected with Clark-Baraitser Syndrome and no experimental evidence demonstrating an impact on protein function have been reported. The following publication has been ascertained in the context of this evaluation (PMID: 36918699). ClinVar contains an entry for this variant (Variation ID: 2437322). Based on the evidence outlined above, the variant was classified as uncertain significance.

Revvity Omics, Revvity
Classification: Uncertain significance for Clark-Baraitser syndrome. Last evaluated: 2020-09-25. Review status: criteria provided, single submitter. Criteria: ACMG Guidelines, 2015. Collection method: clinical testing. Allele origin: germline.

Literature cited by the submitters: PubMed 36918699 (cited by Women's Health and Genetics/Laboratory Corporation of America, LabCorp).

NM_001348323.3(TRIP12):c.2396A>G (p.Lys799Arg)

Gene: TRIP12 (thyroid hormone receptor interactor 12; minus strand). Cytogenetic location: 2q36.3.
Variant type: single nucleotide variant.
Coding change: c.2396A>G on transcript NM_001348323.3 (MANE Select); coding-DNA position 2396, A replaced by G.
Protein change: p.Lys799Arg; replaces lysine 799 with arginine.
Molecular consequence: missense variant.
Genome position (GRCh38, 1-based): chr2:229,807,808, T>C on the plus strand (A>G on the coding strand, the complement: TRIP12 is on the minus strand). VCF-style: chr2-229807808-T-C. GRCh37 (hg19) VCF-style: chr2-230672524-T-C.
Other names: c.2396A>G, p.Lys799Arg (NM_001284214.2, NM_001348315.2, NM_001348319.1 and 11 more transcripts); c.2270A>G, p.Lys757Arg (NM_001284215.2, NM_001348316.2, NM_001348317.1 and 2 more transcripts); c.1361A>G, p.Lys454Arg (NM_001284216.2); c.2309A>G, p.Lys770Arg (NM_001348332.1); c.2252A>G, p.Lys751Arg (NM_004238.3); short protein forms K454R, K751R, K757R, K770R, K799R.
Identifiers: ClinVar variation 2437322 (VCV002437322.4), dbSNP rs1444131578, ClinGen allele CA350917178.